The following is an entry in ClinVar:

ClinVar aggregate classification (germline): Likely benign. Review status: criteria provided, multiple submitters, no conflicts (2 of 4 stars). 4 submissions from 4 submitters: Likely benign (3). 1 of the submissions does not count toward it. Last evaluated 2024-11-09.

Conditions:
Familial cancer of breast. Also called: Hereditary breast cancer; hereditary breast carcinoma; BREAST CANCER, FAMILIAL. Identifiers: Orphanet 227535, MedGen C0346153, MONDO:0016419, OMIM 114480. Disease mechanism: loss of function.
Hereditary cancer-predisposing syndrome. Also called: Hereditary neoplastic syndrome; Tumor predisposition; Hereditary Cancer Syndrome; Neoplastic Syndromes, Hereditary. Identifiers: Orphanet 140162, MedGen C0027672, MeSH D009386, MONDO:0015356.
PALB2-related disorder. Also called: PALB2-related condition; PALB2-related disorders.

gnomAD v4.1: 2 of 1,613,248 alleles (0.00012%); highest among the groups gnomAD compares: African/African-American, 0.0013%; no homozygotes.

Submissions (4):

Labcorp Genetics (formerly Invitae), Labcorp
Classification: Likely benign for Familial cancer of breast. Last evaluated: 2024-11-09. Review status: criteria provided, single submitter. Criteria: Invitae Variant Classification Sherloc (09022015). Collection method: clinical testing. Allele origin: germline.

Ambry Genetics
Classification: Likely benign for Hereditary cancer-predisposing syndrome. Last evaluated: 2024-09-27. Review status: criteria provided, single submitter. Criteria: Ambry Variant Classification Scheme 2023. Collection method: clinical testing. Allele origin: germline.

Color Diagnostics, LLC DBA Color Health
Classification: Likely benign for Hereditary cancer-predisposing syndrome. Last evaluated: 2017-09-17. Review status: criteria provided, single submitter. Criteria: ACMG Guidelines, 2015. Collection method: clinical testing. Allele origin: germline.

PreventionGenetics, part of Exact Sciences
Classification: Likely benign for PALB2-related condition. Last evaluated: 2022-08-05. Review status: no assertion criteria provided. Collection method: clinical testing. Allele origin: germline. Not counted in ClinVar's aggregate classification.
Comment: This variant is classified as likely benign based on ACMG/AMP sequence variant interpretation guidelines (Richards et al. 2015 PMID: 25741868, with internal and published modifications).

NM_024675.4(PALB2):c.48+5C>T

Gene: PALB2 (partner and localizer of BRCA2; minus strand). Cytogenetic location: 16p12.2.
Variant type: single nucleotide variant.
Coding change: c.48+5C>T on transcript NM_024675.4 (MANE Select); 5 bases into the intron after coding-DNA position 48, C replaced by T.
Molecular consequence: intron variant.
Genome position (GRCh38, 1-based): chr16:23,641,105, G>A on the plus strand (C>T on the coding strand, the complement: PALB2 is on the minus strand). VCF-style: chr16-23641105-G-A. GRCh37 (hg19) VCF-style: chr16-23652426-G-A.
Identifiers: ClinVar variation 492225 (VCV000492225.22), dbSNP rs1555462488, ClinGen allele CA658683930.
Genomic context (GRCh38, chr16:23,641,105, plus strand): 5'-CAGGCCTAAAACCCTGGGAAAGCGGGGTCAGAGTCCTGCGTCCGCCCTTCCCGCACCCCC[G>A]GCACCTTTTCCTTCTCCTCACAGCTGAGGGGCTTCCCGGGAGGCTCGTCCATCGGGCAGG-3'